The following is an entry in ClinVar:

NM_017617.5(NOTCH1):c.5565G>A (p.Met1855Ile)

Gene: NOTCH1 (notch receptor 1; minus strand). Cytogenetic location: 9q34.3.
Variant type: single nucleotide variant.
Coding change: c.5565G>A on transcript NM_017617.5 (MANE Select); coding-DNA position 5565, G replaced by A.
Protein change: p.Met1855Ile; replaces methionine 1855 with isoleucine.
Molecular consequence: missense variant.
Genome position (GRCh38, 1-based): chr9:136,501,821, C>T on the plus strand (G>A on the coding strand, the complement: NOTCH1 is on the minus strand). VCF-style: chr9-136501821-C-T. GRCh37 (hg19) VCF-style: chr9-139396273-C-T.
Other names: short protein forms M1855I.
Identifiers: ClinVar variation 4121655 (VCV004121655.1).

ClinVar aggregate classification (germline): Uncertain significance (1 of 4 stars; one submission).

Conditions:
Familial thoracic aortic aneurysm and aortic dissection (TAAD). Also called: Thoracic aortic aneurysms and dissections. Identifiers: Orphanet 91387, MedGen C4707243, MONDO:0019625.

Submission:

Ambry Genetics
Classification: Uncertain significance for Familial thoracic aortic aneurysm and aortic dissection. Last evaluated: 2025-07-21. Review status: criteria provided, single submitter. Criteria: Ambry Variant Classification Scheme 2023. Collection method: clinical testing. Allele origin: germline.
Comment: The p.M1855I variant (also known as c.5565G>A), located in coding exon 30 of the NOTCH1 gene, results from a G to A substitution at nucleotide position 5565. The methionine at codon 1855 is replaced by isoleucine, an amino acid with highly similar properties. This amino acid position is conserved. In addition, this alteration is predicted to be tolerated by in silico analysis. Based on the available evidence, the clinical significance of this variant remains unclear.